The following is an entry in ClinVar:

ClinVar aggregate classification (germline): Likely pathogenic (1 of 4 stars; one submission).

Conditions:
Epilepsy, familial temporal lobe, 1. Identifiers: Orphanet 101046, MedGen CN030884, MONDO:0700090, OMIM 600512.

Submission:

Baylor Genetics
Classification: Likely pathogenic for Epilepsy, familial temporal lobe, 1. Last evaluated: 2020-06-03. Review status: criteria provided, single submitter. Criteria: ACMG Guidelines, 2015. Collection method: clinical testing. Allele origin: unknown. Affected: yes.
Comment: This variant was determined to be likely pathogenic according to ACMG Guidelines, 2015 [PMID:25741868].

NM_005097.4(LGI1):c.287+1G>A

Gene: LGI1 (leucine rich glioma inactivated 1; plus strand). Cytogenetic location: 10q23.33.
Variant type: single nucleotide variant.
Coding change: c.287+1G>A on transcript NM_005097.4 (MANE Select); the canonical splice donor site of the intron after coding-DNA position 287, G replaced by A.
Molecular consequence: splice donor variant.
Genome position (GRCh38, 1-based): chr10:93,758,832, G>A. VCF-style: chr10-93758832-G-A. GRCh37 (hg19) VCF-style: chr10-95518589-G-A.
Other names: c.287+1G>A (NM_001308275.2, NM_001308276.2).
Identifiers: ClinVar variation 1028856 (VCV001028856.1), dbSNP rs2059593242, ClinGen allele CA377632293.
Genomic context (GRCh38, chr10:93,758,832, plus strand): 5'-ATCTGGTTTTACTGAAATCTCAGAAGGGAGTTTTTTATTCACGCCATCGCTGCAGCTCTT[G>A]TGAGAAATATTTATATCATGACTATTTTTAATATGGCATATATTTGGATAAGCCTTCTAG-3'